The following is an entry in ClinVar:

NM_012479.4(YWHAG):c.387_394dup (p.Arg132fs)

Gene: YWHAG (tyrosine 3-monooxygenase/tryptophan 5-monooxygenase activation protein gamma; minus strand). Cytogenetic location: 7q11.23.
Variant type: Duplication.
Coding change: c.387_394dup on transcript NM_012479.4 (MANE Select); coding-DNA positions 387 to 394, 8 bases duplicated (CTACTACC; older notation c.387_394dupCTACTACC).
Protein change: p.Arg132fs; shifts the reading frame from arginine 132.
Molecular consequence: frameshift variant.
Genome position (GRCh38, 1-based): chr7:76,329,927-76,329,934, GGTAGTAG duplicated on the plus strand (CTACTACC on the coding strand, the reverse complement: YWHAG is on the minus strand). VCF-style (leftmost placement, unchanged base first): chr7-76329926-C-CGGTAGTAG. GRCh37 (hg19) VCF-style: chr7-75959243-C-CGGTAGTAG.
Other names: short protein forms R132fs.
Identifiers: ClinVar variation 3346639 (VCV003346639.1).

ClinVar aggregate classification (germline): Uncertain significance (0 of 4 stars; one submission).

Conditions:
YWHAG-related disorder. Also called: YWHAG-related condition.

Submission:

PreventionGenetics, part of Exact Sciences
Classification: Uncertain significance for YWHAG-related condition. Last evaluated: 2024-04-02. Review status: no assertion criteria provided. Collection method: clinical testing. Allele origin: germline.
Comment: The YWHAG c.387_394dup8 variant is predicted to result in a frameshift and premature protein termination (p.Arg132Profs*45). To our knowledge, this variant has not been reported in the literature or in a large population database, indicating this variant is rare. The YWHAG gene appears to be constrained against premature protein termination based on gnomAD data (pLI = 0.96). However, to date only a few predicted loss-of-function variants have been reported in the literature associated with disease (see for example, Iodice et al. 2022. PubMed ID: 34915349 ). Although we suspect that this variant may be pathogenic, at this time, the clinical significance is uncertain due to the absence of conclusive functional and genetic evidence.